The following is an entry in ClinVar:

ClinVar aggregate classification (germline): Uncertain significance. Review status: criteria provided, multiple submitters, no conflicts (2 of 4 stars). 2 submissions from 2 submitters: Uncertain significance (2). Last evaluated 2025-04-28.

Conditions:
Inborn genetic diseases. Identifiers: MedGen C0950123, MeSH D030342.
Transcobalamin II deficiency (TCN2D). Also called: TC II DEFICIENCY; TCN2 DEFICIENCY; Transcolabamin II deficiency. Identifiers: Orphanet 859, MedGen C0342701, MONDO:0010149, OMIM 275350.

Allele frequency attached by ClinVar (database versions not stated): gnomAD exomes below 0.00001; gnomAD 0.00001; TOPMed 0.00004.

Submissions (2):

Ambry Genetics
Classification: Uncertain significance for Inborn genetic diseases. Last evaluated: 2025-04-28. Review status: criteria provided, single submitter. Criteria: Ambry Variant Classification Scheme 2023. Collection method: clinical testing. Allele origin: germline.

Labcorp Genetics (formerly Invitae), Labcorp
Classification: Uncertain significance for Transcobalamin II deficiency. Last evaluated: 2023-12-07. Review status: criteria provided, single submitter. Criteria: Invitae Variant Classification Sherloc (09022015). Collection method: clinical testing. Allele origin: germline.
Comment: This sequence change replaces alanine, which is neutral and non-polar, with threonine, which is neutral and polar, at codon 261 of the TCN2 protein (p.Ala261Thr). This variant is present in population databases (no rsID available, gnomAD 0.006%). This variant has not been reported in the literature in individuals affected with TCN2-related conditions. ClinVar contains an entry for this variant (Variation ID: 1991237). Advanced modeling of protein sequence and biophysical properties (such as structural, functional, and spatial information, amino acid conservation, physicochemical variation, residue mobility, and thermodynamic stability) performed at Invitae indicates that this missense variant is not expected to disrupt TCN2 protein function with a negative predictive value of 80%. In summary, the available evidence is currently insufficient to determine the role of this variant in disease. Therefore, it has been classified as a Variant of Uncertain Significance.

NM_000355.4(TCN2):c.781G>A (p.Ala261Thr)

Gene: TCN2 (transcobalamin 2; plus strand). Cytogenetic location: 22q12.2.
Variant type: single nucleotide variant.
Coding change: c.781G>A on transcript NM_000355.4 (MANE Select); coding-DNA position 781, G replaced by A.
Protein change: p.Ala261Thr; replaces alanine 261 with threonine.
Molecular consequence: missense variant.
Genome position (GRCh38, 1-based): chr22:30,615,628, G>A. VCF-style: chr22-30615628-G-A. GRCh37 (hg19) VCF-style: chr22-31011615-G-A.
Other names: c.781G>A (NM_000355.3); c.700G>A, p.Ala234Thr (NM_001184726.2); short protein forms A234T, A261T.
Identifiers: ClinVar variation 1991237 (VCV001991237.3), dbSNP rs896813483, ClinGen allele CA323233708.